The following is an entry in ClinVar:

ClinVar aggregate classification (germline): Uncertain significance (1 of 4 stars; one submission).

Conditions:
Lissencephaly 9 with complex brainstem malformation. Identifiers: Orphanet 572013, MedGen C5193029, MONDO:0032677, OMIM 618325.

Submission:

3billion
Classification: Uncertain significance for Lissencephaly 9 with complex brainstem malformation. Last evaluated: 2025-12-04. Review status: criteria provided, single submitter. Criteria: ACMG Guidelines, 2015. Collection method: clinical testing. Allele origin: germline. Affected: yes.
Comment: The variant is not observed in the gnomAD v4.1.0 dataset. Predicted Consequence/Location: Canonical splice site: predicted to alter splicing. In silico tools predict the variant to alter splicing and produce an abnormal transcript [SpliceAI: 0.99 (spliceogenicity >=0.2, non-spliceogenicity <0.1)]. Therefore, this variant is classified as VUS according to the recommendation of ACMG/AMP guideline.

NM_001394062.1(MACF1):c.13849-2A>G

Gene: MACF1 (microtubule actin crosslinking factor 1; plus strand). Cytogenetic location: 1p34.3.
Variant type: single nucleotide variant.
Coding change: c.13849-2A>G on transcript NM_001394062.1 (MANE Select); the canonical splice acceptor site of the intron before coding-DNA position 13849, A replaced by G.
Molecular consequence: splice acceptor variant.
Genome position (GRCh38, 1-based): chr1:39,385,432, A>G. VCF-style: chr1-39385432-A-G. GRCh37 (hg19) VCF-style: chr1-39851104-A-G.
Other names: c.7663-2A>G (NM_012090.5).
Identifiers: ClinVar variation 4855959 (VCV004855959.1).
Genomic context (GRCh38, chr1:39,385,432, plus strand): 5'-ACTGCTTTTAGATAGATCTGTTTTTTTCCTGTCTAAACATCTTGGTGTCATTTCTATTTC[A>G]GTTTATGCTAAAGGAATTTGAAGCACGCAGGCAACAGCATGAGCAACTGAATGAGGCAGC-3'